The following is an entry in ClinVar:

ClinVar aggregate classification (germline): Likely pathogenic. Review status: criteria provided, multiple submitters, no conflicts (2 of 4 stars). 2 submissions from 2 submitters: Likely pathogenic (2). Last evaluated 2024-05-13.

Conditions:
Joubert syndrome 17 (JBTS17). Identifiers: Orphanet 475, MedGen C3553264, MONDO:0013824, OMIM 614615.
Orofaciodigital syndrome type 6 (OFD6). Also called: OROFACIODIGITAL SYNDROME VI; OFDS VI; POLYDACTYLY, CLEFT LIP/PALATE OR LINGUAL LUMP, AND PSYCHOMOTOR RETARDATION; VARADI SYNDROME; VARADI-PAPP SYNDROME; Oral-facial-digital syndrome type 6. Identifiers: Orphanet 2754, MedGen C2745997, MONDO:0010176, OMIM 277170.

Allele frequency attached by ClinVar (database versions not stated): TOPMed 0.00002.
gnomAD v4.1: 2 of 1,610,808 alleles (0.00012%); highest among the groups gnomAD compares: African/African-American, 0.0027%; no homozygotes.

Submissions (2):

Fulgent Genetics
Classification: Likely pathogenic for Orofaciodigital syndrome type 6; Joubert syndrome 17. Last evaluated: 2024-05-13. Review status: criteria provided, single submitter. Criteria: ACMG Guidelines, 2015. Collection method: clinical testing. Allele origin: germline.

GeneDx
Classification: Likely pathogenic. Last evaluated: 2017-10-18. Review status: criteria provided, single submitter. Criteria: GeneDx Variant Classification (06012015). Collection method: clinical testing. Allele origin: germline. Affected: yes.
Comment: The Y1799X variant in the C5orf42 gene has not been reported previously as a pathogenic variant nor as a benign variant, to our knowledge. This variant is predicted to cause loss of normal protein function either through protein truncation or nonsense-mediated mRNA decay. The Y1799X variant is not observed at a significant frequency in large population cohorts (Lek et al., 2016). We interpret Y1799X as a likely pathogenic variant.

NM_001384732.1(CPLANE1):c.5397T>G (p.Tyr1799Ter)

Gene: CPLANE1 (ciliogenesis and planar polarity effector complex subunit 1; minus strand). Cytogenetic location: 5p13.2.
Variant type: single nucleotide variant.
Coding change: c.5397T>G on transcript NM_001384732.1 (MANE Select); coding-DNA position 5397, T replaced by G.
Protein change: p.Tyr1799Ter; replaces tyrosine 1799 with a stop codon.
Molecular consequence: nonsense.
Genome position (GRCh38, 1-based): chr5:37,182,784, A>C on the plus strand (T>G on the coding strand, the complement: CPLANE1 is on the minus strand). VCF-style: chr5-37182784-A-C. GRCh37 (hg19) VCF-style: chr5-37182886-A-C.
Other names: c.5397T>G, p.Tyr1799Ter (NM_023073.4); short protein forms Y1799*.
Identifiers: ClinVar variation 452724 (VCV000452724.3), dbSNP rs759881074, ClinGen allele CA3238559.